The following is an entry in ClinVar:

ClinVar aggregate classification (germline): Uncertain significance (1 of 4 stars; one submission).

Allele frequency attached by ClinVar (database versions not stated): ExAC 0.00002; gnomAD exomes below 0.00001.
gnomAD v4.1: 1 of 1,582,040 alleles (0.000063%); highest among the groups gnomAD compares: Non-Finnish European, 0.000086%; no homozygotes.

Submission:

Labcorp Genetics (formerly Invitae), Labcorp
Classification: Uncertain significance. Last evaluated: 2025-11-03. Review status: criteria provided, single submitter. Criteria: Invitae Variant Classification Sherloc (09022015). Collection method: clinical testing. Allele origin: germline.
Comment: This sequence change replaces asparagine, which is neutral and polar, with aspartic acid, which is acidic and polar, at codon 496 of the MICAL1 protein (p.Asn496Asp). This variant is present in population databases (rs770186867, gnomAD 0.002%). This variant has not been reported in the literature in individuals affected with MICAL1-related conditions. ClinVar contains an entry for this variant (Variation ID: 2997139). An algorithm developed to predict the effect of missense changes on protein structure and function (PolyPhen-2) suggests that this variant is likely to be tolerated. In summary, the available evidence is currently insufficient to determine the role of this variant in disease. Therefore, it has been classified as a Variant of Uncertain Significance.

NM_022765.4(MICAL1):c.1429A>G (p.Asn477Asp)

Gene: MICAL1 (microtubule associated monooxygenase, calponin and LIM domain containing 1; minus strand). Cytogenetic location: 6q21.
Variant type: single nucleotide variant.
Coding change: c.1429A>G on transcript NM_022765.4 (MANE Select); coding-DNA position 1429, A replaced by G.
Protein change: p.Asn477Asp; replaces asparagine 477 with aspartic acid.
Molecular consequence: missense variant.
Genome position (GRCh38, 1-based): chr6:109,449,662, T>C on the plus strand (A>G on the coding strand, the complement: MICAL1 is on the minus strand). VCF-style: chr6-109449662-T-C. GRCh37 (hg19) VCF-style: chr6-109770865-T-C.
Other names: c.1171A>G, p.Asn391Asp (NM_001159291.2); c.1486A>G, p.Asn496Asp (NM_001286613.2); short protein forms N477D, N496D, N391D.
Identifiers: ClinVar variation 2997139 (VCV002997139.3), dbSNP rs770186867, ClinGen allele CA3953407.